The following is an entry in ClinVar:

ClinVar aggregate classification (germline): Uncertain significance. Review status: criteria provided, multiple submitters, no conflicts (2 of 4 stars). 2 submissions from 2 submitters: Uncertain significance (2). Last evaluated 2026-01-12.

Conditions:
Methylmalonate semialdehyde dehydrogenase deficiency (MMSDHD). Also called: MMSDH DEFICIENCY. Identifiers: Orphanet 289307, MedGen C3279840, MONDO:0013579, OMIM 614105.

Allele frequency attached by ClinVar (database versions not stated): gnomAD exomes 0.00001 and 0.00002; ExAC 0.00002; gnomAD 0.00003 and 0.00004; TOPMed 0.00003; ESP Exome Variant Server 0.00015.
gnomAD v4.1: 24 of 1,614,034 alleles (0.0015%); highest among the groups gnomAD compares: Non-Finnish European, 0.0019%; no homozygotes.

Submissions (2):

Labcorp Genetics (formerly Invitae), Labcorp
Classification: Uncertain significance. Last evaluated: 2026-01-12. Review status: criteria provided, single submitter. Criteria: Invitae Variant Classification Sherloc (09022015). Collection method: clinical testing. Allele origin: germline.
Comment: This sequence change replaces glycine, which is neutral and non-polar, with arginine, which is basic and polar, at codon 216 of the ALDH6A1 protein (p.Gly216Arg). This variant is present in population databases (rs199899407, gnomAD 0.004%). This variant has not been reported in the literature in individuals affected with ALDH6A1-related conditions. ClinVar contains an entry for this variant (Variation ID: 885921). Invitae Evidence Modeling of protein sequence and biophysical properties (such as structural, functional, and spatial information, amino acid conservation, physicochemical variation, residue mobility, and thermodynamic stability) indicates that this missense variant is not expected to disrupt ALDH6A1 protein function with a negative predictive value of 95%. In summary, the available evidence is currently insufficient to determine the role of this variant in disease. Therefore, it has been classified as a Variant of Uncertain Significance.

Illumina Laboratory Services, Illumina
Classification: Uncertain significance for Methylmalonate semialdehyde dehydrogenase deficiency. Last evaluated: 2018-01-13. Review status: criteria provided, single submitter. Criteria: ICSL Variant Classification Criteria 13 December 2019. Collection method: clinical testing. Allele origin: germline.

NM_005589.4(ALDH6A1):c.646G>A (p.Gly216Arg)

Genes: ALDH6A1 (aldehyde dehydrogenase 6 family member A1; minus strand), BBOF1 (basal body orientation factor 1; plus strand). Cytogenetic location: 14q24.3.
Variant type: single nucleotide variant.
Coding change: c.646G>A on transcript NM_005589.4 (MANE Select); coding-DNA position 646, G replaced by A.
Protein change: p.Gly216Arg; replaces glycine 216 with arginine.
Molecular consequence: missense variant.
Genome position (GRCh38, 1-based): chr14:74,071,279, C>T on the plus strand (G>A on the coding strand, the complement: ALDH6A1 is on the minus strand). VCF-style: chr14-74071279-C-T. GRCh37 (hg19) VCF-style: chr14-74537982-C-T.
Other names: c.607G>A, p.Gly203Arg (NM_001278593.2); c.184G>A, p.Gly62Arg (NM_001278594.2); short protein forms G216R, G203R, G62R.
Identifiers: ClinVar variation 885921 (VCV000885921.5), dbSNP rs199899407, ClinGen allele CA7265806.